The following is an entry in ClinVar:

ClinVar aggregate classification (germline): Uncertain significance (1 of 4 stars; one submission).

gnomAD v4.1: 1 of 1,612,660 alleles (0.000062%); highest among the groups gnomAD compares: South Asian, 0.0011%; no homozygotes.

Submission:

CeGaT Center for Human Genetics Tuebingen
Classification: Uncertain significance. Last evaluated: 2026-04-01. Review status: criteria provided, single submitter. Criteria: CeGaT Center For Human Genetics Tuebingen Variant Classification Criteria Version 2. Collection method: clinical testing. Allele origin: germline. Affected: yes. Observed: 1 variant allele.
Comment: CYBA: PM2

NM_000101.4(CYBA):c.121T>C (p.Tyr41His)

Gene: CYBA (cytochrome b-245 alpha chain; minus strand). Cytogenetic location: 16q24.2.
Variant type: single nucleotide variant.
Coding change: c.121T>C on transcript NM_000101.4 (MANE Select); coding-DNA position 121, T replaced by C.
Protein change: p.Tyr41His; replaces tyrosine 41 with histidine.
Molecular consequence: missense variant.
Genome position (GRCh38, 1-based): chr16:88,648,052, A>G on the plus strand (T>C on the coding strand, the complement: CYBA is on the minus strand). VCF-style: chr16-88648052-A-G. GRCh37 (hg19) VCF-style: chr16-88714460-A-G.
Other names: short protein forms Y41H.
Identifiers: ClinVar variation 4874506 (VCV004874506.2).
Genomic context (GRCh38, chr16:88,648,052, plus strand): 5'-CCAGCTCTGCCCTGGGCGTTCCCCGCCCACCCCAGCCTCAGGTGGAAGGATACATGGAGT[A>G]GGCACCAAAGTACCACTGGGTGAAGCGCCCAGCTGTGGCCACGATGCCCCCGGTGATGAG-3'
Protein context (NP_000092.2, residues 31-51): GRFTQWYFGA[Tyr41His]SIVAGVFVCL